The following is an entry in ClinVar:

ClinVar aggregate classification (germline): Likely pathogenic. Review status: reviewed by expert panel (3 of 4 stars). 2 submissions from 2 submitters: Likely pathogenic (1). 1 of the submissions does not count toward it. Last evaluated 2024-07-29.

Conditions:
T-cell immunodeficiency, congenital alopecia, and nail dystrophy. Also called: Congenital alopecia and nail dystrophy associated with severe functional T-cell immunodeficiency; Pignata Guarino syndrome. Identifiers: Orphanet 169095, MedGen C1866426, MONDO:0011132, OMIM 601705.

Submissions (2):

ClinGen Severe Combined Immunodeficiency Variant Curation Expert Panel, ClinGen
Classification: Likely pathogenic for T-cell immunodeficiency, congenital alopecia, and nail dystrophy. Last evaluated: 2024-07-29. Review status: reviewed by expert panel. Criteria: ClinGen SCID ACMG Specifications FOXN1 V1.0.0. Collection method: curation. Allele origin: germline. Inheritance: Semidominant inheritance.
Comment: The NM_001369369.1(FOXN1):c.1275_1278del (p.Leu426ThrfsTer?) frameshift variant results in a premature stop codon in the final exon (exon 9). It is not predicted to cause NMD but would truncate 16% of the protein, including most of the transactivation domain which is critical to protein function (PVS1_Strong). The variant is absent from gnomADv4.0 (PM2_Supporting). At least one heterozygous patient has been reported with profound T cell lymphocytopenia and absent TRECs (P7 from PMID: 27484032, PP4). The variant was also found in the heterozygous state in a patient with athymia and T cell lymphopenia (P2, PMID:34860543). The patient 7 was also panel sequenced for other SCID causative genes. In summary this variant meets criteria to be classified as likely pathogenic for semidominant T-cell immunodeficiency, congenital alopecia, and nail dystrophy due to FOXN1 deficiency based on the ACMG/AMP criteria applied: PVS1_strong, PM2_supporting, and PP4, as specified by the ClinGen SCID VCEP FOXN1 subgroup.

Labcorp Genetics (formerly Invitae), Labcorp
Classification: Pathogenic for T-cell immunodeficiency, congenital alopecia, and nail dystrophy. Last evaluated: 2024-10-29. Review status: criteria provided, single submitter. Criteria: Invitae Variant Classification Sherloc (09022015). Collection method: clinical testing. Allele origin: germline. Not counted in ClinVar's aggregate classification.
Comment: This sequence change creates a premature translational stop signal (p.Leu426Thrfs*123) in the FOXN1 gene. While this is not anticipated to result in nonsense mediated decay, it is expected to disrupt the last 223 amino acid(s) of the FOXN1 protein. This variant is not present in population databases (gnomAD no frequency). This premature translational stop signal has been observed in individual(s) with severe combined immunodeficiency ( (PMID: 27484032). This variant disrupts a region of the FOXN1 protein in which other variant(s) (p.Gln489Argfs*61) have been determined to be pathogenic (PMID: 31566583; internal data). This suggests that this is a clinically significant region of the protein, and that variants that disrupt it are likely to be disease-causing. For these reasons, this variant has been classified as Pathogenic.

Literature cited by the submitters: PubMed 27484032 (cited by Labcorp Genetics (formerly Invitae), Labcorp); PubMed 31566583 (cited by Labcorp Genetics (formerly Invitae), Labcorp).

NM_001369369.1(FOXN1):c.1275_1278del (p.Leu426fs)

Gene: FOXN1 (forkhead box N1; plus strand). Cytogenetic location: 17q11.2.
Variant type: Microsatellite.
Coding change: c.1275_1278del on transcript NM_001369369.1 (MANE Select); coding-DNA positions 1275 to 1278, 4 bases deleted (ACTC; older notation c.1275_1278delACTC).
Protein change: p.Leu426fs; shifts the reading frame from leucine 426.
Molecular consequence: frameshift variant.
Genome position (GRCh38, 1-based): chr17:28,534,846-28,534,849, ACTC deleted; deleting any 4 consecutive bases within chr17:28,534,841-28,534,849 gives the same sequence; the c. name uses the placement nearest the transcript's 3' end. VCF-style (leftmost placement, unchanged base first): chr17-28534840-GCACT-G. GRCh37 (hg19) VCF-style: chr17-26861858-GCACT-G.
Other names: NM_003593.3:c.1275_1278del; c.1275_1278del, p.Leu426fs (NM_003593.3); short protein forms L426fs.
Identifiers: ClinVar variation 3367212 (VCV003367212.3).